The following is an entry in ClinVar:

ClinVar aggregate classification (germline): Uncertain significance (1 of 4 stars; one submission).

Conditions:
Familial partial lipodystrophy, Kobberling type. Also called: Familial partial lipodystrophy 1. Identifiers: Orphanet 79084, MedGen C1720859, MONDO:0012072, OMIM 608600.
Cerebral arteriopathy, autosomal recessive, with subcortical infarcts and leukoencephalopathy 1. Identifiers: MedGen C6065897, MONDO:0979867, OMIM 621295.
Cerebral arteriopathy, autosomal dominant, with subcortical infarcts and leukoencephalopathy, type 1 (CADASIL1). Also called: CASIL; CADASIL 1; DEMENTIA, HEREDITARY MULTIINFARCT TYPE; Cerebral arteriopathy with subcortical infarcts and leukoencephalopathy 1. Identifiers: Orphanet 136, MedGen C4551768, MONDO:0000914, OMIM 125310.
Lateral meningocele syndrome (LMNS). Also called: NOTCH3-Related Lateral Meningocele Syndrome. Identifiers: Orphanet 2789, MedGen C1851710, MONDO:0007537, OMIM 130720.
Myofibromatosis, infantile, 2. Identifiers: Orphanet 2591, MedGen C3809084, MONDO:0014122, OMIM 615293.

gnomAD v4.1: 4 of 1,602,716 alleles (0.00025%); highest among the groups gnomAD compares: East Asian, 0.009%; no homozygotes.

Submission:

Juno Genomics, Hangzhou Juno Genomics, Inc
Classification: Uncertain significance for Myofibromatosis, infantile, 2; Cerebral arteriopathy, autosomal dominant, with subcortical infarcts and leukoencephalopathy, type 1; Cerebral arteriopathy, autosomal recessive, with subcortical infarcts and leukoencephalopathy 1; Lateral meningocele syndrome; Familial partial lipodystrophy, Kobberling type. Review status: criteria provided, single submitter. Criteria: ACMG Guidelines, 2015. Collection method: clinical testing. Allele origin: germline.
Comment: Absent from controls (or at extremely low frequency if recessive) in Genome Aggregation Database.;Multiple lines of computational evidence support a deleterious effect on the gene or gene product.;Missense variant in a gene that has a low rate of benign missense variation.

NM_000435.3(NOTCH3):c.2921G>A (p.Gly974Glu)

Gene: NOTCH3 (notch receptor 3; minus strand). Cytogenetic location: 19p13.12.
Variant type: single nucleotide variant.
Coding change: c.2921G>A on transcript NM_000435.3 (MANE Select); coding-DNA position 2921, G replaced by A.
Protein change: p.Gly974Glu; replaces glycine 974 with glutamic acid.
Molecular consequence: missense variant.
Genome position (GRCh38, 1-based): chr19:15,181,034, C>T on the plus strand (G>A on the coding strand, the complement: NOTCH3 is on the minus strand). VCF-style: chr19-15181034-C-T. GRCh37 (hg19) VCF-style: chr19-15291845-C-T.
Other names: short protein forms G974E.
Identifiers: ClinVar variation 5019801 (VCV005019801.2).